The following is an entry in ClinVar:

NM_019594.4(LRRC8A):c.797G>A (p.Arg266Gln)

Gene: LRRC8A (leucine rich repeat containing 8 VRAC subunit A; plus strand). Cytogenetic location: 9q34.11.
Variant type: single nucleotide variant.
Coding change: c.797G>A on transcript NM_019594.4 (MANE Select); coding-DNA position 797, G replaced by A.
Protein change: p.Arg266Gln; replaces arginine 266 with glutamine.
Molecular consequence: missense variant.
Genome position (GRCh38, 1-based): chr9:128,907,961, G>A. VCF-style: chr9-128907961-G-A. GRCh37 (hg19) VCF-style: chr9-131670240-G-A.
Other names: c.797G>A, p.Arg266Gln (NM_001127244.2, NM_001127245.2); short protein forms R266Q.
Identifiers: ClinVar variation 2896022 (VCV002896022.3), dbSNP rs779987345, ClinGen allele CA5270773.

ClinVar aggregate classification (germline): Uncertain significance (1 of 4 stars; one submission).

Allele frequency attached by ClinVar (database versions not stated): gnomAD exomes 0.00001; gnomAD 0.00003; TOPMed 0.00002; ExAC 0.00001.
gnomAD v4.1: 12 of 1,613,946 alleles (0.00074%); highest among the groups gnomAD compares: East Asian, 0.0022%; no homozygotes.

Submission:

Labcorp Genetics (formerly Invitae), Labcorp
Classification: Uncertain significance. Last evaluated: 2025-12-05. Review status: criteria provided, single submitter. Criteria: Invitae Variant Classification Sherloc (09022015). Collection method: clinical testing. Allele origin: germline.
Comment: This sequence change replaces arginine, which is basic and polar, with glutamine, which is neutral and polar, at codon 266 of the LRRC8A protein (p.Arg266Gln). This variant is present in population databases (rs779987345, gnomAD 0.0009%). This variant has not been reported in the literature in individuals affected with LRRC8A-related conditions. ClinVar contains an entry for this variant (Variation ID: 2896022). An algorithm developed to predict the effect of missense changes on protein structure and function (PolyPhen-2) suggests that this variant is likely to be disruptive. In summary, the available evidence is currently insufficient to determine the role of this variant in disease. Therefore, it has been classified as a Variant of Uncertain Significance.